The following is an entry in ClinVar:

NM_001018115.3(FANCD2):c.516A>G (p.Ile172Met)

Genes: FANCD2 (FA complementation group D2; plus strand), LOC107303338 (3p25 FANCD2 Alu-mediated recombination region; plus strand). Cytogenetic location: 3p25.3.
Variant type: single nucleotide variant.
Coding change: c.516A>G on transcript NM_001018115.3 (MANE Select); coding-DNA position 516, A replaced by G.
Protein change: p.Ile172Met; replaces isoleucine 172 with methionine.
Molecular consequence: missense variant.
Genome position (GRCh38, 1-based): chr3:10,039,303, A>G. VCF-style: chr3-10039303-A-G. GRCh37 (hg19) VCF-style: chr3-10080987-A-G.
Other names: NP_001018125.1:p.Ile172Met; c.516A>G (NM_033084.4); c.516A>G, p.Ile172Met (NM_001319984.2, NM_001374253.1, NM_001374254.1 and 2 more transcripts); short protein forms I172M.
Identifiers: ClinVar variation 134327 (VCV000134327.25), dbSNP rs35173688, ClinGen allele CA159506.

ClinVar aggregate classification (germline): Benign. Review status: criteria provided, multiple submitters, no conflicts (2 of 4 stars). 12 submissions from 12 submitters: Benign (9). 3 of the submissions do not count toward it. Last evaluated 2026-02-01.

Conditions:
Hereditary cancer-predisposing syndrome. Also called: Hereditary neoplastic syndrome; Hereditary Cancer Syndrome; Neoplastic Syndromes, Hereditary; Tumor predisposition. Identifiers: Orphanet 140162, MedGen C0027672, MeSH D009386, MONDO:0015356.
Hereditary breast ovarian cancer syndrome. Also called: BRCA1- and BRCA2-Associated Hereditary Breast and Ovarian Cancer; Hereditary breast and ovarian cancer syndrome; Hereditary breast and ovarian cancer syndrome (HBOC); Hereditary breast and ovarian cancer; Breast and ovarian cancer; Hereditary breast and/or ovarian cancer syndrome. Identifiers: Orphanet 145, MedGen C0677776, MeSH D061325, MONDO:0003582. Disease mechanism: loss of function.
Fanconi anemia (FA). Also called: Fanconi's anemia. Identifiers: Orphanet 84, MedGen C0015625, MeSH D005199, MONDO:0019391.
Fanconi anemia complementation group D2. Also called: FANCD2-Related Fanconi Anemia; FANCONI PANCYTOPENIA, TYPE 4; FANCONI ANEMIA, COMPLEMENTATION GROUP D. Identifiers: Orphanet 84, MedGen C3160738, MONDO:0009214, OMIM 227646.

Allele frequency attached by ClinVar (database versions not stated): gnomAD exomes 0.00462; gnomAD 0.02009 and 0.01872; ESP Exome Variant Server 0.02384; ExAC 0.00590; 1000 Genomes Project 0.01957; 1000 Genomes Project 30x 0.02077; TOPMed 0.02158.
gnomAD v4.1: 5,397 of 1,613,798 alleles (0.33%); highest among the groups gnomAD compares: African/African-American, 6.3%; 172 homozygotes.

Submissions (12):

Labcorp Genetics (formerly Invitae), Labcorp
Classification: Benign for Fanconi anemia. Last evaluated: 2026-02-01. Review status: criteria provided, single submitter. Criteria: Invitae Variant Classification Sherloc (09022015). Collection method: clinical testing. Allele origin: germline.

Dasa
Classification: Benign. Last evaluated: 2025-11-21. Review status: criteria provided, single submitter. Criteria: DASA Assertion Criteria. Collection method: clinical testing. Allele origin: germline.
Comment: NM_001018115.3(FANCD2):c.516A>G (p.Ile172Met) is interpreted as benign based on a combination of available evidence, including observations in unaffected individuals, and in silico models suggesting no deleterious effect. Based on the available data, this variant is classified as benign.

Molecular Diagnostics Laboratory, Catalan Institute of Oncology
Classification: Benign for Hereditary cancer-predisposing syndrome. Last evaluated: 2025-03-25. Review status: criteria provided, single submitter. Criteria: ACMG Guidelines, 2015. Collection method: clinical testing. Allele origin: germline.
Comment: BA1, BP4_Moderate c.516A>G located in exon 8 of the FANCD2 gene, is predicted to result in the substitution of isoleucine by methionine at codon 172, p.(Ile172Met). The variant allele was found in 1507/23612 alleles (52 homozygotes), with a filter allele frequency of 6% at 99% confidence, within the African population in the gnomAD v2.1.1 database (non-cancer data set)(BA1). The SpliceAI algorithm predicts no significant impact on splicing and the REVEL meta-predictor score for this variant (0.025) suggests that it does not affect the protein function according to Pejaver 2022 thresholds (PMID: 36413997)(BP4_Moderate). This variant has been identified in the ClinVar database (8x benign, 1x likely benign) and in the LOVD database (1x benign, 1x likely benign). Based on currently available information, the variant c.516A>G is classified as a benign variant according ACMG guidelines.

ARUP Laboratories, Molecular Genetics and Genomics, ARUP Laboratories
Classification: Benign for Fanconi anemia complementation group D2. Last evaluated: 2024-12-20. Review status: criteria provided, single submitter. Criteria: ARUP Molecular Germline Variant Investigation Process 2024. Collection method: clinical testing. Allele origin: germline.

KCCC/NGS Laboratory, Kuwait Cancer Control Center
Classification: Benign for Fanconi anemia complementation group D2. Last evaluated: 2023-07-07. Review status: criteria provided, single submitter. Criteria: ACMG Guidelines, 2015. Collection method: clinical testing. Allele origin: germline. Affected: yes.

National Health Laboratory Service, Universitas Academic Hospital and University of the Free State
Classification: Benign for Hereditary breast ovarian cancer syndrome. Last evaluated: 2022-04-19. Review status: criteria provided, single submitter. Criteria: ACMG Guidelines, 2015. Collection method: clinical testing. Allele origin: germline. Affected: yes. Observed: 5 variant alleles.

GeneDx
Classification: Benign. Last evaluated: 2019-04-03. Review status: criteria provided, single submitter. Criteria: GeneDx Variant Classification Process June 2021. Collection method: clinical testing. Allele origin: germline. Affected: yes.

Illumina Laboratory Services, Illumina
Classification: Benign for Fanconi anemia complementation group D2. Last evaluated: 2018-01-13. Review status: criteria provided, single submitter. Criteria: ICSL Variant Classification Criteria 13 December 2019. Collection method: clinical testing. Allele origin: germline.
Comment: This variant was observed in the ICSL laboratory as part of a predisposition screen in an ostensibly healthy population. It had not been previously curated by ICSL or reported in the Human Gene Mutation Database (HGMD: prior to June 1st, 2018), and was therefore a candidate for classification through an automated scoring system. Utilizing variant allele frequency, disease prevalence and penetrance estimates, and inheritance mode, an automated score was calculated to assess if this variant is too frequent to cause the disease. Based on the score and internal cut-off values, a variant classified as benign is not then subjected to further curation. The score for this variant resulted in a classification of benign for this disease.

Breakthrough Genomics
Classification: Benign. Review status: criteria provided, single submitter. Criteria: ACMG Guidelines, 2015. Collection method: not provided. Allele origin: germline. Inheritance: Autosomal recessive inheritance. Affected: yes.

ITMI
No classification provided. Condition: AllHighlyPenetrant. Last evaluated: 2013-09-19. Review status: no classification provided. Collection method: reference population. Allele origin: germline. Not counted in ClinVar's aggregate classification.
Comment: Please see associated publication for description of ethnicities

Genome Diagnostics Laboratory, Amsterdam University Medical Center
Classification: Benign. Review status: no assertion criteria provided. Collection method: clinical testing. Allele origin: germline. Affected: yes. Study: VKGL Data-share Consensus. Not counted in ClinVar's aggregate classification.

Laboratory of Diagnostic Genome Analysis, Leiden University Medical Center (LUMC)
Classification: Likely benign. Review status: no assertion criteria provided. Collection method: clinical testing. Allele origin: germline. Affected: yes. Study: VKGL Data-share Consensus. Not counted in ClinVar's aggregate classification.

Literature cited by the submitters: PubMed 24728327 (cited by ITMI).